The following is an entry in ClinVar:

NM_001386795.1(DTNA):c.2296-102C>G

Gene: DTNA (dystrobrevin alpha; plus strand). Cytogenetic location: 18q12.1.
Variant type: single nucleotide variant.
Coding change: c.2296-102C>G on transcript NM_001386795.1 (MANE Select); 102 bases into the intron before coding-DNA position 2296, C replaced by G.
Molecular consequence: intron variant.
Genome position (GRCh38, 1-based): chr18:34,884,626, C>G. VCF-style: chr18-34884626-C-G. GRCh37 (hg19) VCF-style: chr18-32464590-C-G.
Other names: c.2044-102C>G (NM_032975.4, NM_001386761.1); c.2041-102C>G (NM_001386762.1); c.2125-102C>G (NM_001386754.1, NM_001386755.1, NM_001386757.1 and 3 more transcripts); c.2122-102C>G (NM_001386760.1); c.2035-102C>G (NM_001386763.1, NM_001386764.1, NM_001198940.2 and 3 more transcripts); c.2032-102C>G (NM_001386768.1, NM_001386769.1); c.2056-102C>G (NM_001198939.2); c.2034+2425C>G (NM_001198938.2, NM_001386753.1); and 6 more.
Identifiers: ClinVar variation 675436 (VCV000675436.2), dbSNP rs28650208, ClinGen allele CA297770122.

ClinVar aggregate classification (germline): Likely benign. Review status: criteria provided, multiple submitters, no conflicts (2 of 4 stars). 2 submissions from 2 submitters: Likely benign (2). Last evaluated 2018-06-19.

Allele frequency attached by ClinVar (database versions not stated): gnomAD exomes 0.00105; gnomAD 0.00996 and 0.01067; 1000 Genomes Project 0.01098; TOPMed 0.01120.
gnomAD v4.1: 2,669 of 1,214,944 alleles (0.22%); highest among the groups gnomAD compares: African/African-American, 3.4%; 49 homozygotes.

Submissions (2):

GeneDx
Classification: Likely benign. Last evaluated: 2018-06-19. Review status: criteria provided, single submitter. Criteria: GeneDx Variant Classification (06012015). Collection method: clinical testing. Allele origin: germline. Affected: yes.
Comment: This variant is considered likely benign or benign based on one or more of the following criteria: it is a conservative change, it occurs at a poorly conserved position in the protein, it is predicted to be benign by multiple in silico algorithms, and/or has population frequency not consistent with disease.

Breakthrough Genomics
Classification: Likely benign. Review status: criteria provided, single submitter. Criteria: ACMG Guidelines, 2015. Collection method: not provided. Allele origin: germline. Inheritance: Autosomal dominant inheritance. Affected: yes.